The following is an entry in ClinVar:

NM_000612.6(IGF2):c.138G>T (p.Gly46=)

Genes: IGF2 (insulin like growth factor 2; minus strand), INS-IGF2 (INS-IGF2 readthrough; minus strand). Cytogenetic location: 11p15.5.
Variant type: single nucleotide variant.
Coding change: c.138G>T on transcript NM_000612.6 (MANE Select); coding-DNA position 138, G replaced by T.
Protein change: p.Gly46=; no amino-acid change (glycine 46 retained).
Molecular consequence: synonymous variant. On other transcripts: non-coding transcript variant (1).
Genome position (GRCh38, 1-based): chr11:2,135,386, C>A on the plus strand (G>T on the coding strand, the complement: IGF2 is on the minus strand). VCF-style: chr11-2135386-C-A. GRCh37 (hg19) VCF-style: chr11-2156616-C-A.
Other names: c.138G>T, p.Gly46= (NM_001007139.6, NM_001291861.3, NM_001291862.3); c.306G>T, p.Gly102= (NM_001127598.3).
Identifiers: ClinVar variation 2071277 (VCV002071277.29), dbSNP rs747697618, ClinGen allele CA5817733.
Genomic context (GRCh38, chr11:2,135,386, plus strand): 5'-GGGCCTGACCAGGTCTGAGGAAGCCCCTCCCAGCTACTTACTGAAGTAGAAGCCGCGGTC[C>A]CCACAGACGAACTGGAGGGTGTCCACCAGCTCCCCGCCGCACAGGGTCTCACTGGGGCGG-3'
Protein context (NP_000603.1, residues 36-56): ELVDTLQFVC[Gly46=]DRGFYFSRPA

ClinVar aggregate classification (germline): Likely benign. Review status: criteria provided, multiple submitters, no conflicts (2 of 4 stars). 3 submissions from 3 submitters: Likely benign (3). Last evaluated 2025-08-11.

Allele frequency attached by ClinVar (database versions not stated): ExAC 0.00003; gnomAD 0.00005; TOPMed 0.00006.
gnomAD v4.1: 35 of 1,613,034 alleles (0.0022%); highest among the groups gnomAD compares: Non-Finnish European, 0.0027%; no homozygotes.

Submissions (3):

Labcorp Genetics (formerly Invitae), Labcorp
Classification: Likely benign. Last evaluated: 2025-08-11. Review status: criteria provided, single submitter. Criteria: Invitae Variant Classification Sherloc (09022015). Collection method: clinical testing. Allele origin: germline.

CeGaT Center for Human Genetics Tuebingen
Classification: Likely benign. Last evaluated: 2025-06-01. Review status: criteria provided, single submitter. Criteria: CeGaT Center For Human Genetics Tuebingen Variant Classification Criteria Version 2. Collection method: clinical testing. Allele origin: germline. Affected: yes. Observed: 2 variant alleles.
Comment: IGF2: BP4, BP7

Blueprint Genetics
Classification: Likely benign. Last evaluated: 2024-09-24. Review status: criteria provided, single submitter. Criteria: ACMG Guidelines, 2015. Collection method: clinical testing. Allele origin: germline.